The following is an entry in ClinVar:

ClinVar aggregate classification (germline): Uncertain significance (1 of 4 stars; one submission).

Conditions:
Familial thoracic aortic aneurysm and aortic dissection (TAAD). Also called: Thoracic aortic aneurysms and dissections. Identifiers: Orphanet 91387, MedGen C4707243, MONDO:0019625.

Submission:

All of Us Research Program, National Institutes of Health
Classification: Uncertain significance for Familial thoracic aortic aneurysm and aortic dissection. Last evaluated: 2023-05-31. Review status: criteria provided, single submitter. Criteria: ACMG Guidelines, 2015. Collection method: clinical testing. Allele origin: germline. Inheritance: Autosomal dominant inheritance. Observed: 1 variant allele, 1 heterozygote.
Comment: This study involves interpretation of variants in research participants for the purpose of population health screening. Participant phenotype was not available at the time of variant classification. Additional details can be found in publication PMID: 35346344, PMCID: PMC8962531

NM_002474.3(MYH11):c.2616G>T (p.Glu872Asp)

Gene: MYH11 (myosin heavy chain 11; minus strand). Cytogenetic location: 16p13.11.
Variant type: single nucleotide variant.
Coding change: c.2616G>T on transcript NM_002474.3 (MANE Select); coding-DNA position 2616, G replaced by T.
Protein change: p.Glu872Asp; replaces glutamic acid 872 with aspartic acid.
Molecular consequence: missense variant.
Genome position (GRCh38, 1-based): chr16:15,741,796, C>A on the plus strand (G>T on the coding strand, the complement: MYH11 is on the minus strand). VCF-style: chr16-15741796-C-A. GRCh37 (hg19) VCF-style: chr16-15835653-C-A.
Other names: c.2637G>T, p.Glu879Asp (NM_001040113.2, NM_001040114.2); c.2616G>T, p.Glu872Asp (NM_022844.3); short protein forms E872D, E879D.
Identifiers: ClinVar variation 3071168 (VCV003071168.1), dbSNP rs2506208377, ClinGen allele CA394866223.